The following is an entry in ClinVar:

ClinVar aggregate classification (germline): Conflicting classifications of pathogenicity. Review status: criteria provided, conflicting classifications (1 of 4 stars). 4 submissions from 4 submitters: Uncertain significance (1); Benign (1); Likely benign (1). 1 of the submissions does not count toward it. Last evaluated 2024-09-10.

Conditions:
Inborn genetic diseases. Identifiers: MedGen C0950123, MeSH D030342.
Townes syndrome (TBS). Also called: Townes-Brocks syndrome. Identifiers: Orphanet 857, MedGen C0265246, MeSH C536974, MONDO:0007142.
SALL1-related disorder. Also called: SALL1-related condition.

Allele frequency attached by ClinVar (database versions not stated): gnomAD exomes 0.00004; ExAC 0.00007; gnomAD 0.00009; TOPMed 0.00010.
gnomAD v4.1: 72 of 1,614,076 alleles (0.0045%); highest among the groups gnomAD compares: Admixed American, 0.01%; no homozygotes.

Submissions (4):

Ambry Genetics
Classification: Uncertain significance for Inborn genetic diseases. Last evaluated: 2024-09-10. Review status: criteria provided, single submitter. Criteria: Ambry Variant Classification Scheme 2023. Collection method: clinical testing. Allele origin: germline.

Labcorp Genetics (formerly Invitae), Labcorp
Classification: Likely benign for Townes syndrome. Last evaluated: 2024-07-22. Review status: criteria provided, single submitter. Criteria: Invitae Variant Classification Sherloc (09022015). Collection method: clinical testing. Allele origin: germline.

Blueprint Genetics
Classification: Benign. Last evaluated: 2024-03-25. Review status: criteria provided, single submitter. Criteria: ACMG Guidelines, 2015. Collection method: clinical testing. Allele origin: germline.

PreventionGenetics, part of Exact Sciences
Classification: Likely benign for SALL1-related condition. Last evaluated: 2022-02-13. Review status: no assertion criteria provided. Collection method: clinical testing. Allele origin: germline. Not counted in ClinVar's aggregate classification.
Comment: This variant is classified as likely benign based on ACMG/AMP sequence variant interpretation guidelines (Richards et al. 2015 PMID: 25741868, with internal and published modifications).

NM_002968.3(SALL1):c.787G>T (p.Asp263Tyr)

Gene: SALL1 (spalt like transcription factor 1; minus strand). Cytogenetic location: 16q12.1.
Variant type: single nucleotide variant.
Coding change: c.787G>T on transcript NM_002968.3 (MANE Select); coding-DNA position 787, G replaced by T.
Protein change: p.Asp263Tyr; replaces aspartic acid 263 with tyrosine.
Molecular consequence: missense variant.
Genome position (GRCh38, 1-based): chr16:51,141,435, C>A on the plus strand (G>T on the coding strand, the complement: SALL1 is on the minus strand). VCF-style: chr16-51141435-C-A. GRCh37 (hg19) VCF-style: chr16-51175346-C-A.
Other names: c.496G>T, p.Asp166Tyr (NM_001127892.2); short protein forms D263Y, D166Y.
Identifiers: ClinVar variation 2363578 (VCV002363578.8), dbSNP rs567084895, ClinGen allele CA8053398.